The following is an entry in ClinVar:

ClinVar aggregate classification (germline): Pathogenic. Review status: criteria provided, multiple submitters, no conflicts (2 of 4 stars). 7 submissions from 7 submitters: Pathogenic (7). Last evaluated 2025-07-08.

Conditions:
Gastric adenocarcinoma and proximal polyposis of the stomach (GAPPS). Also called: Polyposis, gastric, Dos Santos and de Magalhaes 1980; Gastric Adenocarcinoma and Proximal Polyposis of the Stomach (GAPPS); POLYPOSIS, GASTRIC. Identifiers: Orphanet 314022, MedGen C4749917, MONDO:0017790, OMIM 619182.
Hereditary cancer-predisposing syndrome. Also called: Hereditary Cancer Syndrome; Hereditary neoplastic syndrome; Tumor predisposition; Neoplastic Syndromes, Hereditary. Identifiers: Orphanet 140162, MedGen C0027672, MeSH D009386, MONDO:0015356.
Familial multiple polyposis syndrome (FAP). Also called: Classic familial adenomatous polyposis; Familial Adenomatous Polyposis (FAP); Familial polyposis; Familial adenomatous polyposis; Familial intestinal polyposis. Identifiers: Orphanet 733, MedGen C0032580, MONDO:0021055. Disease mechanism: loss of function.
Familial adenomatous polyposis 1 (FAP1). Also called: FAMILIAL ADENOMATOUS POLYPOSIS 1, ATTENUATED; POLYPOSIS, ADENOMATOUS INTESTINAL. Identifiers: MedGen C2713442, MONDO:0021056, OMIM 175100. Disease mechanism: loss of function.

Submissions (7):

Mayo Clinic Laboratories, Mayo Clinic
Classification: Pathogenic. Last evaluated: 2025-07-08. Review status: criteria provided, single submitter. Criteria: ACMG Guidelines, 2015. Collection method: clinical testing. Allele origin: germline. Observed: 1 variant allele.
Comment: PM2_supporting, PS4, PVS1

Myriad Genetics, Inc.
Classification: Pathogenic for Familial adenomatous polyposis 1. Last evaluated: 2023-05-05. Review status: criteria provided, single submitter. Criteria: Myriad Autosomal Dominant, Autosomal Recessive and X-Linked Classification Criteria (2023). Collection method: clinical testing. Allele origin: unknown.
Comment: This variant is considered pathogenic. This variant creates a termination codon and is predicted to result in premature protein truncation.

Laboratorio de Genetica e Diagnostico Molecular, Hospital Israelita Albert Einstein
Classification: Pathogenic for Gastric adenocarcinoma and proximal polyposis of the stomach. Last evaluated: 2022-11-25. Review status: criteria provided, single submitter. Criteria: ACMG Guidelines, 2015. Collection method: clinical testing. Allele origin: germline. Affected: yes. Observed: 1 variant allele.
Comment: ACMG classification criteria: PVS1 strong, PS4 strong, PM2 moderated

Labcorp Genetics (formerly Invitae), Labcorp
Classification: Pathogenic for Familial adenomatous polyposis 1. Last evaluated: 2022-10-08. Review status: criteria provided, single submitter. Criteria: Invitae Variant Classification Sherloc (09022015). Collection method: clinical testing. Allele origin: germline.
Comment: For these reasons, this variant has been classified as Pathogenic. Algorithms developed to predict the effect of sequence changes on RNA splicing suggest that this variant may create or strengthen a splice site. ClinVar contains an entry for this variant (Variation ID: 186058). This premature translational stop signal has been observed in individuals with familial adenomatous polyposis (PMID: 1324223, 1944466, 8381579, 8990002, 10083733, 10094547, 10713886, 11748858, 11933206, 12007223, 12173026, 15024739, 15108288, 16088911, 16317745, 17411426, 20685668, 20924072, 26300997; Invitae). This variant is not present in population databases (gnomAD no frequency). This sequence change creates a premature translational stop signal (p.Tyr935*) in the APC gene. While this is not anticipated to result in nonsense mediated decay, it is expected to disrupt the last 1909 amino acid(s) of the APC protein.

Ambry Genetics
Classification: Pathogenic for Hereditary cancer-predisposing syndrome. Last evaluated: 2021-08-23. Review status: criteria provided, single submitter. Criteria: Ambry Variant Classification Scheme 2023. Collection method: clinical testing. Allele origin: germline.
Comment: The p.Y935* pathogenic mutation (also known as c.2805C>G), located in coding exon 15 of the APC gene, results from a C to G substitution at nucleotide position 2805. This changes the amino acid from a tyrosine to a stop codon within coding exon 15. This mutation has been identified in numerous familial adenomatous polyposis (FAP) patients and families of various ethnicities to date (van der Luijt RB et al. Hum. Mutat. 1997;9:7-16; Kim DW et al. Hum. Mutat. 2005 Sep;26:281; Friedl W et al. Hered Cancer Clin Pract 2005 Sep;3:95-114; Kanter-Smoler G et al. BMC Med 2008 Apr;6:10; Mehenni H et al. Eur J Gastroenterol Hepatol, 2005 Dec;17:1407-12; Fodde R et al. Genomics, 1992 Aug;13:1162-8; Lagarde A et al. J. Med. Genet., 2010 Oct;47:721-2; Wallis YL et al. J. Med. Genet., 1999 Jan;36:14-20; Papp J et al. Fam. Cancer, 2016 Jan;15:85-97). In addition to the clinical data presented in the literature, this alteration is expected to result in loss of function by premature protein truncation. As such, this alteration is interpreted as a disease-causing mutation.

GeneDx
Classification: Pathogenic. Last evaluated: 2019-06-20. Review status: criteria provided, single submitter. Criteria: GeneDx Variant Classification Process June 2021. Collection method: clinical testing. Allele origin: germline. Affected: yes.
Comment: Nonsense variant predicted to result in protein truncation or nonsense mediated decay in a gene for which loss-of-function is a known mechanism of disease; Not observed in large population cohorts (Lek et al., 2016); This variant is associated with the following publications: (PMID: 18554166, 16088911, 19822006, 17785554, 11933206, 16292097, 27978560, 16890597, 27705013, 8990002, 24233542, 24987355, 12007223, 28533537, 20223039, 26446593, 12173026, 16317745, 11748858, 15951963)

Department of Pathology and Laboratory Medicine, Sinai Health System
Classification: Pathogenic for Familial multiple polyposis syndrome. Last evaluated: 2015-12-17. Review status: criteria provided, single submitter. Criteria: ACMG Guidelines, 2015. Collection method: clinical testing. Allele origin: germline. Affected: yes. Study: Canadian Open Genetics Repository (COGR).

Literature cited by the submitters: PubMed 16088911 (cited by 3 submitters); PubMed 18433509 (cited by Mayo Clinic Laboratories, Mayo Clinic and Ambry Genetics); PubMed 20223039 (cited by Mayo Clinic Laboratories, Mayo Clinic and Ambry Genetics); PubMed 20685668 (cited by 3 submitters); PubMed 26446593 (cited by Mayo Clinic Laboratories, Mayo Clinic and Ambry Genetics); PubMed 8990002 (cited by 3 submitters); PubMed 9950360 (cited by Mayo Clinic Laboratories, Mayo Clinic and Ambry Genetics); PubMed 1324223 (cited by Labcorp Genetics (formerly Invitae), Labcorp and Ambry Genetics); PubMed 1944466 (cited by Labcorp Genetics (formerly Invitae), Labcorp); PubMed 8381579 (cited by Labcorp Genetics (formerly Invitae), Labcorp); PubMed 10083733 (cited by Labcorp Genetics (formerly Invitae), Labcorp); PubMed 10094547 (cited by Labcorp Genetics (formerly Invitae), Labcorp); PubMed 10713886 (cited by Labcorp Genetics (formerly Invitae), Labcorp); PubMed 11748858 (cited by Labcorp Genetics (formerly Invitae), Labcorp); PubMed 11933206 (cited by Labcorp Genetics (formerly Invitae), Labcorp); PubMed 12007223 (cited by Labcorp Genetics (formerly Invitae), Labcorp); PubMed 12173026 (cited by Labcorp Genetics (formerly Invitae), Labcorp); PubMed 15024739 (cited by Labcorp Genetics (formerly Invitae), Labcorp); PubMed 15108288 (cited by Labcorp Genetics (formerly Invitae), Labcorp); PubMed 16317745 (cited by Labcorp Genetics (formerly Invitae), Labcorp); PubMed 17411426 (cited by Labcorp Genetics (formerly Invitae), Labcorp); PubMed 20924072 (cited by Labcorp Genetics (formerly Invitae), Labcorp); PubMed 26300997 (cited by Labcorp Genetics (formerly Invitae), Labcorp); PubMed 16292097 (cited by Ambry Genetics); PubMed 28533537 (cited by Ambry Genetics).

NM_000038.6(APC):c.2805C>G (p.Tyr935Ter)

Gene: APC (APC regulator of Wnt signaling pathway; plus strand). Cytogenetic location: 5q22.2.
Variant type: single nucleotide variant.
Coding change: c.2805C>G on transcript NM_000038.6 (MANE Select); coding-DNA position 2805, C replaced by G.
Protein change: p.Tyr935Ter; replaces tyrosine 935 with a stop codon.
Molecular consequence: nonsense.
Genome position (GRCh38, 1-based): chr5:112,838,399, C>G. VCF-style: chr5-112838399-C-G. GRCh37 (hg19) VCF-style: chr5-112174096-C-G.
Other names: c.2805C>G, p.Tyr935Ter (NM_001127510.3, NM_001354895.2); c.2751C>G, p.Tyr917Ter (NM_001127511.3); c.2859C>G, p.Tyr953Ter (NM_001354896.2); c.2835C>G, p.Tyr945Ter (NM_001354897.2); c.2730C>G, p.Tyr910Ter (NM_001354898.2); c.2721C>G, p.Tyr907Ter (NM_001354899.2); c.2682C>G, p.Tyr894Ter (NM_001354900.2); c.2628C>G, p.Tyr876Ter (NM_001354901.2); and 5 more; short protein forms Y917*, Y935*, Y652*, Y775*, Y834*, Y907*, Y945*, Y809*.
Identifiers: ClinVar variation 186058 (VCV000186058.23), dbSNP rs137854575, ClinGen allele CA007811.